The following is an entry in ClinVar:

ClinVar aggregate classification (germline): Benign (1 of 4 stars; one submission).

Allele frequency attached by ClinVar (database versions not stated): gnomAD exomes 0.00022; 1000 Genomes Project 30x 0.00094; 1000 Genomes Project 0.00100; gnomAD 0.00127; TOPMed 0.00141.
gnomAD v4.1: 254 of 398,418 alleles (0.064%); highest among the groups gnomAD compares: African/African-American, 0.44%; 2 homozygotes.

Submission:

CeGaT Center for Human Genetics Tuebingen
Classification: Benign. Last evaluated: 2023-12-01. Review status: criteria provided, single submitter. Criteria: CeGaT Center For Human Genetics Tuebingen Variant Classification Criteria Version 2. Collection method: clinical testing. Allele origin: germline. Affected: yes. Observed: 1 variant allele.
Comment: KCNQ1OT1: BS1, BS2

NM_000218.3(KCNQ1):c.1394-30965C>T

Genes: KCNQ1 (potassium voltage-gated channel subfamily Q member 1; plus strand), KCNQ1OT1 (KCNQ1 opposite strand/antisense transcript 1; minus strand). Cytogenetic location: 11p15.5.
Variant type: single nucleotide variant.
Coding change: c.1394-30965C>T on transcript NM_000218.3 (MANE Select); 30965 bases into the intron before coding-DNA position 1394, C replaced by T.
Molecular consequence: intron variant. On other transcripts: non-coding transcript variant (1).
Genome position (GRCh38, 1-based): chr11:2,630,996, C>T. VCF-style: chr11-2630996-C-T. GRCh37 (hg19) VCF-style: chr11-2652226-C-T.
Other names: c.1124-30965C>T (NM_001406837.1); c.1298-30965C>T (NM_001406836.1); c.854-30965C>T (NM_001406838.1); c.1013-30965C>T (NM_181798.2).
Identifiers: ClinVar variation 3026356 (VCV003026356.22), dbSNP rs116236326, ClinGen allele CA216145316.